The following is an entry in ClinVar:

NM_000179.3(MSH6):c.3902dup (p.Asn1301fs)

Gene: MSH6 (mutS homolog 6; plus strand). Cytogenetic location: 2p16.3.
Variant type: Duplication.
Coding change: c.3902dup on transcript NM_000179.3 (MANE Select); coding-DNA position 3902, one base duplicated (A; older notation c.3902dupA).
Protein change: p.Asn1301fs; shifts the reading frame from asparagine 1301.
Molecular consequence: frameshift variant. On other transcripts: non-coding transcript variant (5), intron variant (1).
Genome position (GRCh38, 1-based): chr2:47,806,552, A duplicated; the last of 2 consecutive A bases (chr2:47,806,551-47,806,552); duplicating either gives the same sequence. VCF-style (leftmost placement, unchanged base first): chr2-47806550-T-TA. GRCh37 (hg19) VCF-style: chr2-48033689-T-TA.
Other names: c.3512dup, p.Asn1171fs (NM_001281492.2); c.2996dup, p.Asn999fs (NM_001281493.2, NM_001281494.2, NM_001406811.1 and 6 more transcripts); c.3998dup, p.Asn1333fs (NM_001406795.1); c.3902dup, p.Asn1301fs (NM_001406796.1, NM_001406808.1, NM_001406809.1); c.3605dup, p.Asn1202fs (NM_001406797.1, NM_001406801.1, NM_001406805.1 and 10 more transcripts); c.3728dup, p.Asn1243fs (NM_001406798.1); c.3377dup, p.Asn1126fs (NM_001406799.1, NM_001406806.1, NM_001406807.1); c.3889dup, p.Met1297fs (NM_001406800.1); and 10 more; short protein forms M1297fs, N1013fs, N1126fs, N1333fs, N250fs, N616fs, N779fs, N1275fs.
Identifiers: ClinVar variation 2453179 (VCV002453179.5), dbSNP rs2530867222, ClinGen allele CA2580067449.

ClinVar aggregate classification (germline): Pathogenic. Review status: criteria provided, multiple submitters, no conflicts (2 of 4 stars). 2 submissions from 2 submitters: Pathogenic (2). Last evaluated 2023-03-31.

Conditions:
Hereditary cancer-predisposing syndrome. Also called: Neoplastic Syndromes, Hereditary; Tumor predisposition; Hereditary neoplastic syndrome; Hereditary Cancer Syndrome. Identifiers: Orphanet 140162, MedGen C0027672, MeSH D009386, MONDO:0015356.
Hereditary nonpolyposis colorectal neoplasms. Identifiers: MedGen C0009405, MeSH D003123.

Submissions (2):

Labcorp Genetics (formerly Invitae), Labcorp
Classification: Pathogenic for Hereditary nonpolyposis colorectal neoplasms. Last evaluated: 2023-03-31. Review status: criteria provided, single submitter. Criteria: Invitae Variant Classification Sherloc (09022015). Collection method: clinical testing. Allele origin: germline.
Comment: For these reasons, this variant has been classified as Pathogenic. This variant has not been reported in the literature in individuals affected with MSH6-related conditions. This variant is not present in population databases (gnomAD no frequency). This sequence change creates a premature translational stop signal (p.Asn1301Lysfs*7) in the MSH6 gene. It is expected to result in an absent or disrupted protein product. Loss-of-function variants in MSH6 are known to be pathogenic (PMID: 18269114, 24362816).

Ambry Genetics
Classification: Pathogenic for Hereditary cancer-predisposing syndrome. Last evaluated: 2023-01-04. Review status: criteria provided, single submitter. Criteria: Ambry Variant Classification Scheme 2023. Collection method: clinical testing. Allele origin: germline.
Comment: The c.3902dupA pathogenic mutation, located in coding exon 9 of the MSH6 gene, results from a duplication of A at nucleotide position 3902, causing a translational frameshift with a predicted alternate stop codon (p.N1301Kfs*7). This variant is considered to be rare based on population cohorts in the Genome Aggregation Database (gnomAD). This alteration is expected to result in loss of function by premature protein truncation or nonsense-mediated mRNA decay. As such, this alteration is interpreted as a disease-causing mutation.

Literature cited by the submitters: PubMed 18269114 (cited by Labcorp Genetics (formerly Invitae), Labcorp); PubMed 24362816 (cited by Labcorp Genetics (formerly Invitae), Labcorp).